The following is an entry in ClinVar:

ClinVar aggregate classification (germline): Likely benign (1 of 4 stars; one submission).

Allele frequency attached by ClinVar (database versions not stated): gnomAD exomes 0.00003; TOPMed 0.00003; gnomAD 0.00004; ExAC 0.00007; 1000 Genomes Project 0.00020; 1000 Genomes Project 30x 0.00031.
gnomAD v4.1: 56 of 1,613,722 alleles (0.0035%); highest among the groups gnomAD compares: Middle Eastern, 0.099%; no homozygotes.

Submission:

CeGaT Center for Human Genetics Tuebingen
Classification: Likely benign. Last evaluated: 2022-09-01. Review status: criteria provided, single submitter. Criteria: CeGaT Center For Human Genetics Tuebingen Variant Classification Criteria Version 2. Collection method: clinical testing. Allele origin: germline. Affected: yes. Observed: 1 variant allele.
Comment: HRNR: BP4, BP7

NM_001009931.3(HRNR):c.636C>T (p.Ser212=)

Genes: CCDST (cervical cancer associated DHX9 suppressive transcript; plus strand), HRNR (hornerin; minus strand). Cytogenetic location: 1q21.3.
Variant type: single nucleotide variant.
Coding change: c.636C>T on transcript NM_001009931.3 (MANE Select); coding-DNA position 636, C replaced by T.
Protein change: p.Ser212=; no amino-acid change (serine 212 retained).
Molecular consequence: synonymous variant.
Genome position (GRCh38, 1-based): chr1:152,220,993, G>A on the plus strand (C>T on the coding strand, the complement: HRNR is on the minus strand). VCF-style: chr1-152220993-G-A. GRCh37 (hg19) VCF-style: chr1-152193469-G-A.
Identifiers: ClinVar variation 2639218 (VCV002639218.24), dbSNP rs201296154, ClinGen allele CA1102470.